The following is an entry in ClinVar:

ClinVar aggregate classification (germline): Uncertain significance (1 of 4 stars; one submission).

Conditions:
Hereditary cancer-predisposing syndrome. Also called: Neoplastic Syndromes, Hereditary; Tumor predisposition; Hereditary neoplastic syndrome; Hereditary Cancer Syndrome. Identifiers: Orphanet 140162, MedGen C0027672, MeSH D009386, MONDO:0015356.

Submission:

Ambry Genetics
Classification: Uncertain significance for Hereditary cancer-predisposing syndrome. Last evaluated: 2023-02-24. Review status: criteria provided, single submitter. Criteria: Ambry Variant Classification Scheme 2023. Collection method: clinical testing. Allele origin: germline.
Comment: The p.G875V variant (also known as c.2624G>T), located in coding exon 15 of the ALK gene, results from a G to T substitution at nucleotide position 2624. The glycine at codon 875 is replaced by valine, an amino acid with dissimilar properties. This amino acid position is conserved. In addition, the in silico prediction for this alteration is inconclusive. Since supporting evidence is limited at this time, the clinical significance of this alteration remains unclear.

NM_004304.5(ALK):c.2624G>T (p.Gly875Val)

Gene: ALK (ALK receptor tyrosine kinase; minus strand). Cytogenetic location: 2p23.2.
Variant type: single nucleotide variant.
Coding change: c.2624G>T on transcript NM_004304.5 (MANE Select); coding-DNA position 2624, G replaced by T.
Protein change: p.Gly875Val; replaces glycine 875 with valine.
Molecular consequence: missense variant.
Genome position (GRCh38, 1-based): chr2:29,232,312, C>A on the plus strand (G>T on the coding strand, the complement: ALK is on the minus strand). VCF-style: chr2-29232312-C-A. GRCh37 (hg19) VCF-style: chr2-29455178-C-A.
Other names: short protein forms G875V.
Identifiers: ClinVar variation 2452137 (VCV002452137.2), dbSNP rs374375387, ClinGen allele CA346471484.